The following is an entry in ClinVar:

ClinVar aggregate classification (germline): Uncertain significance (1 of 4 stars; one submission).

Allele frequency attached by ClinVar (database versions not stated): gnomAD 0.00002; TOPMed 0.00002.
gnomAD v4.1: 28 of 1,610,642 alleles (0.0017%); highest among the groups gnomAD compares: Non-Finnish European, 0.0021%; no homozygotes.

Submission:

Labcorp Genetics (formerly Invitae), Labcorp
Classification: Uncertain significance. Last evaluated: 2021-03-25. Review status: criteria provided, single submitter. Criteria: Invitae Variant Classification Sherloc (09022015). Collection method: clinical testing. Allele origin: germline.
Comment: This sequence change replaces aspartic acid with tyrosine at codon 326 of the CDT1 protein (p.Asp326Tyr). The aspartic acid residue is moderately conserved and there is a large physicochemical difference between aspartic acid and tyrosine. This variant is present in population databases (rs752643196, ExAC 0.002%). This variant has not been reported in the literature in individuals with CDT1-related conditions. Algorithms developed to predict the effect of missense changes on protein structure and function are either unavailable or do not agree on the potential impact of this missense change (SIFT: "Deleterious"; PolyPhen-2: "Probably Damaging"; Align-GVGD: "Class C0"). In summary, the available evidence is currently insufficient to determine the role of this variant in disease. Therefore, it has been classified as a Variant of Uncertain Significance.

NM_030928.4(CDT1):c.976G>T (p.Asp326Tyr)

Gene: CDT1 (chromatin licensing and DNA replication factor 1; plus strand). Cytogenetic location: 16q24.3.
Variant type: single nucleotide variant.
Coding change: c.976G>T on transcript NM_030928.4 (MANE Select); coding-DNA position 976, G replaced by T.
Protein change: p.Asp326Tyr; replaces aspartic acid 326 with tyrosine.
Molecular consequence: missense variant.
Genome position (GRCh38, 1-based): chr16:88,806,528, G>T. VCF-style: chr16-88806528-G-T. GRCh37 (hg19) VCF-style: chr16-88872936-G-T.
Other names: short protein forms D326Y.
Identifiers: ClinVar variation 1376793 (VCV001376793.7), dbSNP rs752643196, ClinGen allele CA8233942.
Genomic context (GRCh38, chr16:88,806,528, plus strand): 5'-TCTACTCCTTCTCCCCAGGCCTTCCTGGCCTCCCTGAGCCCCGCCATGGTGGTGCCGGAG[G>T]ACCAGCTGACCCGCTGGCACCCGCGCTTCAACGTGGATGAAGTACCCGACATCGAGCCGG-3'
Protein context (NP_112190.2, residues 316-336): SLSPAMVVPE[Asp326Tyr]QLTRWHPRFN